The following is an entry in ClinVar:

ClinVar aggregate classification (germline): Likely benign (0 of 4 stars; one submission).

Conditions:
GABRD-related disorder. Also called: GABRD-related condition.

Allele frequency attached by ClinVar (database versions not stated): gnomAD exomes below 0.00001.
gnomAD v4.1: 2 of 1,549,412 alleles (0.00013%); highest among the groups gnomAD compares: African/African-American, 0.0014%; no homozygotes.

Submission:

PreventionGenetics, part of Exact Sciences
Classification: Likely benign for GABRD-related condition. Last evaluated: 2019-06-21. Review status: no assertion criteria provided. Collection method: clinical testing. Allele origin: germline.
Comment: This variant is classified as likely benign based on ACMG/AMP sequence variant interpretation guidelines (Richards et al. 2015 PMID: 25741868, with internal and published modifications).

NM_000815.5(GABRD):c.847+10C>A

Gene: GABRD (gamma-aminobutyric acid type A receptor subunit delta; plus strand). Cytogenetic location: 1p36.33.
Variant type: single nucleotide variant.
Coding change: c.847+10C>A on transcript NM_000815.5 (MANE Select); 10 bases into the intron after coding-DNA position 847, C replaced by A.
Molecular consequence: intron variant.
Genome position (GRCh38, 1-based): chr1:2,029,276, C>A. VCF-style: chr1-2029276-C-A. GRCh37 (hg19) VCF-style: chr1-1960715-C-A.
Identifiers: ClinVar variation 3042772 (VCV003042772.2), dbSNP rs1659017768, ClinGen allele CA1149391727.